The following is an entry in ClinVar:

ClinVar aggregate classification (germline): Pathogenic (1 of 4 stars; one submission).

Conditions:
Hereditary diffuse gastric adenocarcinoma (HDGC). Also called: DIFFUSE GASTRIC AND LOBULAR BREAST CANCER SYNDROME. Identifiers: Orphanet 26106, MedGen C1708349, MONDO:0007648, OMIM 137215.

Submission:

Labcorp Genetics (formerly Invitae), Labcorp
Classification: Pathogenic for Hereditary diffuse gastric adenocarcinoma. Last evaluated: 2021-12-08. Review status: criteria provided, single submitter. Criteria: Invitae Variant Classification Sherloc (09022015). Collection method: clinical testing. Allele origin: germline.
Comment: For these reasons, this variant has been classified as Pathogenic. The region of the CDH1 gene that includes exon(s) 14-16 has been determined to be clinically significant (PMID: 19168852; Invitae). Therefore, deletions that encompass that region are likely to be disease-causing. A similar copy number variant has been observed in individual(s) with clinical features of CDH1-related conditions (Invitae). This variant is a gross deletion of the genomic region encompassing exon(s) 14-15 of the CDH1 gene. While this deletion is not anticipated to lead to nonsense mediated decay, it is expected to disrupt the C-terminus of the protein.

Literature cited by the submitters: PubMed 19168852.

NC_000016.10:g.(?_68828168)_(68829803_?)del

Gene: CDH1 (cadherin 1; plus strand). Cytogenetic location: 16q22.1.
Variant type: Deletion.
Identifiers: ClinVar variation 532501 (VCV000532501.6).